The following is an entry in ClinVar:

NM_004577.4(PSPH):c.351G>T (p.Glu117Asp)

Gene: PSPH (phosphoserine phosphatase; minus strand). Cytogenetic location: 7p11.2.
Variant type: single nucleotide variant.
Coding change: c.351G>T on transcript NM_004577.4 (MANE Select); coding-DNA position 351, G replaced by T.
Protein change: p.Glu117Asp; replaces glutamic acid 117 with aspartic acid.
Molecular consequence: missense variant.
Genome position (GRCh38, 1-based): chr7:56,017,304, C>A on the plus strand (G>T on the coding strand, the complement: PSPH is on the minus strand). VCF-style: chr7-56017304-C-A. GRCh37 (hg19) VCF-style: chr7-56084997-C-A.
Other names: c.351G>T, p.Glu117Asp (NM_001370503.1, NM_001370504.1, NM_001370505.1 and 17 more transcripts); c.351G>T (NM_004577.3); short protein forms E117D.
Identifiers: ClinVar variation 1412779 (VCV001412779.6), dbSNP rs766126853, ClinGen allele CA4268661.

ClinVar aggregate classification (germline): Uncertain significance. Review status: criteria provided, multiple submitters, no conflicts (2 of 4 stars). 2 submissions from 2 submitters: Uncertain significance (2). Last evaluated 2024-11-15.

Conditions:
Inborn genetic diseases. Identifiers: MedGen C0950123, MeSH D030342.
Deficiency of phosphoserine phosphatase (PSPHD). Also called: Phosphoserine phosphatase deficiency; PSPH deficiency. Identifiers: Orphanet 79350, MedGen C1291463, MONDO:0013531, OMIM 614023.

Allele frequency attached by ClinVar (database versions not stated): ExAC 0.00005.
gnomAD v4.1: 69 of 1,613,316 alleles (0.0043%); highest among the groups gnomAD compares: Non-Finnish European, 0.0056%; no homozygotes.

Submissions (2):

Ambry Genetics
Classification: Uncertain significance for Inborn genetic diseases. Last evaluated: 2024-11-15. Review status: criteria provided, single submitter. Criteria: Ambry Variant Classification Scheme 2023. Collection method: clinical testing. Allele origin: germline.

Labcorp Genetics (formerly Invitae), Labcorp
Classification: Uncertain significance for Deficiency of phosphoserine phosphatase. Last evaluated: 2023-08-04. Review status: criteria provided, single submitter. Criteria: Invitae Variant Classification Sherloc (09022015). Collection method: clinical testing. Allele origin: germline.
Comment: This sequence change replaces glutamic acid, which is acidic and polar, with aspartic acid, which is acidic and polar, at codon 117 of the PSPH protein (p.Glu117Asp). This variant is present in population databases (rs766126853, gnomAD 0.01%). This variant has not been reported in the literature in individuals affected with PSPH-related conditions. ClinVar contains an entry for this variant (Variation ID: 1412779). An algorithm developed to predict the effect of missense changes on protein structure and function (PolyPhen-2) suggests that this variant¬†is likely to be tolerated. In summary, the available evidence is currently insufficient to determine the role of this variant in disease. Therefore, it has been classified as a Variant of Uncertain Significance.